The following is an entry in ClinVar:

NM_019842.4(KCNQ5):c.289A>G (p.Thr97Ala)

Genes: KCNQ5 (potassium voltage-gated channel subfamily Q member 5; plus strand), KCNQ5-DT (KCNQ5 divergent transcript; minus strand). Cytogenetic location: 6q13.
Variant type: single nucleotide variant.
Coding change: c.289A>G on transcript NM_019842.4 (MANE Select); coding-DNA position 289, A replaced by G.
Protein change: p.Thr97Ala; replaces threonine 97 with alanine.
Molecular consequence: missense variant.
Genome position (GRCh38, 1-based): chr6:72,622,478, A>G. VCF-style: chr6-72622478-A-G. GRCh37 (hg19) VCF-style: chr6-73332206-A-G.
Other names: c.289A>G, p.Thr97Ala (NM_001160130.2, NM_001160132.2, NM_001160133.2 and 1 more transcripts); short protein forms T97A.
Identifiers: ClinVar variation 2899545 (VCV002899545.3), dbSNP rs201796531, ClinGen allele CA364824528.

ClinVar aggregate classification (germline): Uncertain significance (1 of 4 stars; one submission).

Submission:

Labcorp Genetics (formerly Invitae), Labcorp
Classification: Uncertain significance. Last evaluated: 2024-01-07. Review status: criteria provided, single submitter. Criteria: Invitae Variant Classification Sherloc (09022015). Collection method: clinical testing. Allele origin: germline.
Comment: This sequence change replaces threonine, which is neutral and polar, with alanine, which is neutral and non-polar, at codon 97 of the KCNQ5 protein (p.Thr97Ala). This variant is not present in population databases (gnomAD no frequency). This variant has not been reported in the literature in individuals affected with KCNQ5-related conditions. Advanced modeling of protein sequence and biophysical properties (such as structural, functional, and spatial information, amino acid conservation, physicochemical variation, residue mobility, and thermodynamic stability) performed at Invitae indicates that this missense variant is not expected to disrupt KCNQ5 protein function with a negative predictive value of 80%. In summary, the available evidence is currently insufficient to determine the role of this variant in disease. Therefore, it has been classified as a Variant of Uncertain Significance.